The following is an entry in ClinVar:

ClinVar aggregate classification (germline): Uncertain significance. Review status: criteria provided, single submitter (1 of 4 stars). 2 submissions from 2 submitters: Uncertain significance (1). 1 of the submissions does not count toward it. Last evaluated 2025-12-03.

Conditions:
ACAN-related disorder. Also called: ACAN-related condition; ACAN-related disorders.

Allele frequency attached by ClinVar (database versions not stated): ExAC 0.00003; gnomAD 0.00004; TOPMed 0.00008; 1000 Genomes Project 30x 0.00016; 1000 Genomes Project 0.00020.
gnomAD v4.1: 26 of 1,613,770 alleles (0.0016%); highest among the groups gnomAD compares: Admixed American, 0.0067%; no homozygotes.

Submissions (2):

Labcorp Genetics (formerly Invitae), Labcorp
Classification: Uncertain significance. Last evaluated: 2025-12-03. Review status: criteria provided, single submitter. Criteria: Invitae Variant Classification Sherloc (09022015). Collection method: clinical testing. Allele origin: germline.
Comment: This sequence change replaces arginine, which is basic and polar, with glutamine, which is neutral and polar, at codon 542 of the ACAN protein (p.Arg542Gln). This variant is present in population databases (rs151237327, gnomAD 0.007%). This variant has not been reported in the literature in individuals affected with ACAN-related conditions. ClinVar contains an entry for this variant (Variation ID: 2181266). Invitae Evidence Modeling of protein sequence and biophysical properties (such as structural, functional, and spatial information, amino acid conservation, physicochemical variation, residue mobility, and thermodynamic stability) indicates that this missense variant is not expected to disrupt ACAN protein function with a negative predictive value of 80%. In summary, the available evidence is currently insufficient to determine the role of this variant in disease. Therefore, it has been classified as a Variant of Uncertain Significance.

PreventionGenetics, part of Exact Sciences
Classification: Uncertain significance for ACAN-related condition. Last evaluated: 2024-06-07. Review status: no assertion criteria provided. Collection method: clinical testing. Allele origin: germline. Not counted in ClinVar's aggregate classification.
Comment: The ACAN c.1625G>A variant is predicted to result in the amino acid substitution p.Arg542Gln. To our knowledge, this variant has not been reported in the literature. This variant is reported in 0.0058% of alleles in individuals of Latino descent in gnomAD. At this time, the clinical significance of this variant is uncertain due to the absence of conclusive functional and genetic evidence.

NM_001369268.1(ACAN):c.1625G>A (p.Arg542Gln)

Gene: ACAN (aggrecan; plus strand). Cytogenetic location: 15q26.1.
Variant type: single nucleotide variant.
Coding change: c.1625G>A on transcript NM_001369268.1 (MANE Select); coding-DNA position 1625, G replaced by A.
Protein change: p.Arg542Gln; replaces arginine 542 with glutamine.
Molecular consequence: missense variant.
Genome position (GRCh38, 1-based): chr15:88,847,931, G>A. VCF-style: chr15-88847931-G-A. GRCh37 (hg19) VCF-style: chr15-89391162-G-A.
Other names: c.1625G>A, p.Arg542Gln (NM_001135.4, NM_001411096.1, NM_001411097.1 and 1 more transcripts); c.1625G>A (NM_013227.3); short protein forms R542Q.
Identifiers: ClinVar variation 2181266 (VCV002181266.5), dbSNP rs151237327, ClinGen allele CA7719625.